The following is an entry in ClinVar:

ClinVar aggregate classification (germline): Uncertain significance (1 of 4 stars; one submission).

Allele frequency attached by ClinVar (database versions not stated): gnomAD exomes below 0.00001; TOPMed 0.00001; ESP Exome Variant Server 0.00008; ExAC 0.00001; gnomAD 0.00001.
gnomAD v4.1: 2 of 1,613,124 alleles (0.00012%); highest among the groups gnomAD compares: East Asian, 0.0022%; no homozygotes.

Submission:

Labcorp Genetics (formerly Invitae), Labcorp
Classification: Uncertain significance. Last evaluated: 2022-02-24. Review status: criteria provided, single submitter. Criteria: Invitae Variant Classification Sherloc (09022015). Collection method: clinical testing. Allele origin: germline.
Comment: This variant is present in population databases (rs371941071, gnomAD 0.008%). In summary, the available evidence is currently insufficient to determine the role of this variant in disease. Therefore, it has been classified as a Variant of Uncertain Significance. Algorithms developed to predict the effect of missense changes on protein structure and function output the following: SIFT: "Tolerated"; PolyPhen-2: "Benign"; Align-GVGD: "Class C0". The glutamic acid amino acid residue is found in multiple mammalian species, which suggests that this missense change does not adversely affect protein function. ClinVar contains an entry for this variant (Variation ID: 1025996). This variant has not been reported in the literature in individuals affected with MPDZ-related conditions. This sequence change replaces glutamine, which is neutral and polar, with glutamic acid, which is acidic and polar, at codon 1322 of the MPDZ protein (p.Gln1322Glu).

NM_001378778.1(MPDZ):c.3964C>G (p.Gln1322Glu)

Gene: MPDZ (multiple PDZ domain crumbs cell polarity complex component; minus strand). Cytogenetic location: 9p23.
Variant type: single nucleotide variant.
Coding change: c.3964C>G on transcript NM_001378778.1 (MANE Select); coding-DNA position 3964, C replaced by G.
Protein change: p.Gln1322Glu; replaces glutamine 1322 with glutamic acid.
Molecular consequence: missense variant.
Genome position (GRCh38, 1-based): chr9:13,140,026, G>C on the plus strand (C>G on the coding strand, the complement: MPDZ is on the minus strand). VCF-style: chr9-13140026-G-C. GRCh37 (hg19) VCF-style: chr9-13140025-G-C.
Other names: c.3865C>G, p.Gln1289Glu (NM_001261406.2, NM_001261407.2, NM_001375416.1 and 3 more transcripts); c.3964C>G, p.Gln1322Glu (NM_001330637.2, NM_001375413.1, NM_003829.5); c.3754C>G, p.Gln1252Glu (NM_001375420.1, NM_001375421.1, NM_001375422.1 and 4 more transcripts); c.3556C>G, p.Gln1186Glu (NM_001375427.1); short protein forms Q1186E, Q1252E, Q1289E, Q1322E.
Identifiers: ClinVar variation 1025996 (VCV001025996.7), dbSNP rs371941071, ClinGen allele CA4986899.